The following is an entry in ClinVar:

ClinVar aggregate classification (germline): Pathogenic (0 of 4 stars; one submission).

Conditions:
Steinert myotonic dystrophy syndrome (DM1). Also called: STEINERT DISEASE; Myotonic dystrophy type 1; Dystrophia myotonica type 1; Steinert myotonic dystrophy; Steinert's disease. Identifiers: Orphanet 273, MedGen C3250443, MONDO:0008056, OMIM 160900.

Submission:

Institute of Molecular, Cell and Systems Biology, University of Glasgow
Classification: Pathogenic for Steinert myotonic dystrophy syndrome. Review status: no assertion criteria provided. Criteria: research. Collection method: research. Allele origin: germline. Inheritance: Autosomal dominant inheritance. Affected: yes. Observed: 1 heterozygote.
Comment: DMPK CTG repeat expansions greater than approximately 45-50 repeats are assumed to be pathogenic

This record is based on data published in PubMed 25052313, which reports only ClinVar accessions SCV000120188 and SCV000120189. The complete data set includes SCV000207445 - SCV000207579.

Literature cited by the submitters: PubMed 1346923; PubMed 1546326; PubMed 25052313.

NM_004409.5(DMPK):c.*224CTG[1142]

Genes: DM1-AS (DM1 locus antisense RNA; plus strand), DMPK (DM1 protein kinase; minus strand), LOC107075317 (origin of replication in DMPK trinucleotide repeat region; plus strand), LOC109461477 (dystrophia myotonica protein kinase repeat instability region; plus strand). Cytogenetic location: 19q13.32.
Variant type: Microsatellite.
Coding change: c.*224CTG[1142] on transcript NM_004409.5 (MANE Select); 1,142 copies in a row of the 3-base unit CTG starting at c.*224.
Molecular consequence: 3 prime UTR variant.
Genome position: GRCh38, VCF-style position (the base before the change): chr19:45,770,204. GRCh37 (hg19), VCF-style position (the base before the change): chr19:46,273,462.
Other names: DM1 CTG repeat expansion; c.*217CTG[1142] (NM_001288765.2, NM_001081562.3, NM_001424162.1 and 2 more transcripts); c.*224CTG[1142] (NM_001081560.3, NM_001288764.2, NM_001424165.1 and 1 more transcripts); c.*222_*224TGC[1142] (NM_001081563.3); c.*369CTG[1142] (NM_001288766.2, NM_001424164.1, NM_001424168.1).
Identifiers: ClinVar variation 187912 (VCV000187912.1), ClinGen allele CA915951707.